The following is an entry in ClinVar:

NM_014339.7(IL17RA):c.186G>A (p.Trp62Ter)

Gene: IL17RA (interleukin 17 receptor A; plus strand). Cytogenetic location: 22q11.1.
Variant type: single nucleotide variant.
Coding change: c.186G>A on transcript NM_014339.7 (MANE Select); coding-DNA position 186, G replaced by A.
Protein change: p.Trp62Ter; replaces tryptophan 62 with a stop codon.
Molecular consequence: nonsense.
Genome position (GRCh38, 1-based): chr22:17,097,819, G>A. VCF-style: chr22-17097819-G-A. GRCh37 (hg19) VCF-style: chr22-17578709-G-A.
Other names: c.186G>A, p.Trp62Ter (NM_001289905.2); short protein forms W62*.
Identifiers: ClinVar variation 1386866 (VCV001386866.6), dbSNP rs1330723939, ClinGen allele CA410210940.

ClinVar aggregate classification (germline): Pathogenic (1 of 4 stars; one submission).

Conditions:
Immunodeficiency 51 (IMD51). Also called: CANDIDIASIS, FAMILIAL, 5. Identifiers: Orphanet 1334, MedGen C4310803, MONDO:0013500, OMIM 613953.

Allele frequency attached by ClinVar (database versions not stated): TOPMed below 0.00001; gnomAD 0.00001.
gnomAD v4.1: 1 of 1,614,074 alleles (0.000062%); highest among the groups gnomAD compares: Non-Finnish European, 0.000085%; no homozygotes.

Submission:

Labcorp Genetics (formerly Invitae), Labcorp
Classification: Pathogenic for Immunodeficiency 51. Last evaluated: 2021-11-22. Review status: criteria provided, single submitter. Criteria: Invitae Variant Classification Sherloc (09022015). Collection method: clinical testing. Allele origin: germline.
Comment: This sequence change creates a premature translational stop signal (p.Trp62*) in the IL17RA gene. It is expected to result in an absent or disrupted protein product. Loss-of-function variants in IL17RA are known to be pathogenic (PMID: 27930337). This variant is not present in population databases (gnomAD no frequency). This variant has not been reported in the literature in individuals affected with IL17RA-related conditions. For these reasons, this variant has been classified as Pathogenic.

Literature cited by the submitters: PubMed 27930337.